The following is an entry in ClinVar:

NM_198391.3(FLRT3):c.1096A>C (p.Ile366Leu)

Genes: FLRT3 (fibronectin leucine rich transmembrane protein 3; minus strand), MACROD2 (mono-ADP ribosylhydrolase 2; plus strand). Cytogenetic location: 20p12.1.
Variant type: single nucleotide variant.
Coding change: c.1096A>C on transcript NM_198391.3 (MANE Select); coding-DNA position 1096, A replaced by C.
Protein change: p.Ile366Leu; replaces isoleucine 366 with leucine.
Molecular consequence: missense variant. On other transcripts: intron variant (3).
Genome position (GRCh38, 1-based): chr20:14,326,411, T>G on the plus strand (A>C on the coding strand, the complement: FLRT3 is on the minus strand). VCF-style: chr20-14326411-T-G. GRCh37 (hg19) VCF-style: chr20-14307057-T-G.
Other names: c.1096A>C, p.Ile366Leu (NM_013281.4); c.272-167068T>G (NM_001351661.2, NM_001351663.2, NM_080676.6); short protein forms I366L.
Identifiers: ClinVar variation 4258351 (VCV004258351.2).
Genomic context (GRCh38, chr20:14,326,411, plus strand): 5'-TCACTGGAGCTGGCCACTGTCCTTGGGCAGGATACACTGTGTTGGGTATTGCAGTGGTTA[T>G]CTGAATGGTGCTTACAATCCCACTGTCCTTACAATCAAACAGTTCTGCATTGAGATCCTT-3'
Protein context (NP_938205.1, residues 356-376): KDSGIVSTIQ[Ile366Leu]TTAIPNTVYP

ClinVar aggregate classification (germline): Uncertain significance. Review status: criteria provided, multiple submitters, no conflicts (2 of 4 stars). 2 submissions from 2 submitters: Uncertain significance (2). Last evaluated 2026-09-08.

Conditions:
FLRT3-related disorder. Also called: FLRT3-related condition.

gnomAD v4.1: 117 of 1,613,824 alleles (0.0072%); highest among the groups gnomAD compares: Non-Finnish European, 0.0095%; no homozygotes.

Submissions (2):

PreventionGenetics, part of Exact Sciences
Classification: Uncertain significance for FLRT3-related condition. Last evaluated: 2026-09-08. Review status: criteria provided, single submitter. Criteria: ACMG Guidelines, 2015. Collection method: clinical testing. Allele origin: germline.
Comment: The FLRT3 c.1096A>C variant is predicted to result in the amino acid substitution p.Ile366Leu. To our knowledge, this variant has not been reported in the literature. This variant is reported in 0.0078% of alleles in individuals of European (Non-Finnish) descent in gnomAD. At this time, the clinical significance of this variant is uncertain due to the absence of conclusive functional and genetic evidence.

Ambry Genetics
Classification: Uncertain significance. Last evaluated: 2025-08-27. Review status: criteria provided, single submitter. Criteria: Ambry Variant Classification Scheme 2023. Collection method: clinical testing. Allele origin: germline.